The following is an entry in ClinVar:

ClinVar aggregate classification (germline): Likely pathogenic. Review status: criteria provided, multiple submitters, no conflicts (2 of 4 stars). 2 submissions from 2 submitters: Likely pathogenic (2). Last evaluated 2026-01-29.

Conditions:
Phenylketonuria (PKU). Also called: FOLLING DISEASE; Phenylketonuria (PKU); OLIGOPHRENIA PHENYLPYRUVICA; Phenylketonurias. Identifiers: Orphanet 716, MedGen C0031485, MONDO:0009861, OMIM 261600. Disease mechanism: loss of function.

Allele frequency attached by ClinVar (database versions not stated): TOPMed below 0.00001.
gnomAD v4.1: 1 of 1,613,800 alleles (0.000062%); highest among the groups gnomAD compares: Admixed American, 0.0017%; no homozygotes.

Submissions (2):

GeneDx
Classification: Likely pathogenic. Last evaluated: 2026-01-29. Review status: criteria provided, single submitter. Criteria: GeneDx Variant Classification Process June 2021. Collection method: clinical testing. Allele origin: germline.
Comment: Not observed at significant frequency in large population cohorts (gnomAD); In silico analysis suggests that this missense variant does not alter protein structure/function; This variant is associated with the following publications: (PMID: 32668217, 31355225)

Labcorp Genetics (formerly Invitae), Labcorp
Classification: Likely pathogenic for Phenylketonuria. Last evaluated: 2024-03-14. Review status: criteria provided, single submitter. Criteria: Invitae Variant Classification Sherloc (09022015). Collection method: clinical testing. Allele origin: germline.
Comment: This sequence change replaces proline, which is neutral and non-polar, with threonine, which is neutral and polar, at codon 89 of the PAH protein (p.Pro89Thr). This variant is present in population databases (no rsID available, gnomAD 0.003%). This missense change has been observed in individual(s) with hyperphenylalaninemia (PMID: 31355225; Invitae). Advanced modeling of protein sequence and biophysical properties (such as structural, functional, and spatial information, amino acid conservation, physicochemical variation, residue mobility, and thermodynamic stability) performed at Invitae indicates that this missense variant is not expected to disrupt PAH protein function with a negative predictive value of 80%. This variant disrupts the p.Pro89 amino acid residue in PAH. Other variant(s) that disrupt this residue have been determined to be pathogenic (PMID: 10495930, 25894915). This suggests that this residue is clinically significant, and that variants that disrupt this residue are likely to be disease-causing. In summary, the currently available evidence indicates that the variant is pathogenic, but additional data are needed to prove that conclusively. Therefore, this variant has been classified as Likely Pathogenic.

Literature cited by the submitters: PubMed 31355225 (cited by Labcorp Genetics (formerly Invitae), Labcorp); PubMed 10495930 (cited by Labcorp Genetics (formerly Invitae), Labcorp); PubMed 25894915 (cited by Labcorp Genetics (formerly Invitae), Labcorp).

NM_000277.3(PAH):c.265C>A (p.Pro89Thr)

Gene: PAH (phenylalanine hydroxylase; minus strand). Cytogenetic location: 12q23.2.
Variant type: single nucleotide variant.
Coding change: c.265C>A on transcript NM_000277.3 (MANE Select); coding-DNA position 265, C replaced by A.
Protein change: p.Pro89Thr; replaces proline 89 with threonine.
Molecular consequence: missense variant.
Genome position (GRCh38, 1-based): chr12:102,894,822, G>T on the plus strand (C>A on the coding strand, the complement: PAH is on the minus strand). VCF-style: chr12-102894822-G-T. GRCh37 (hg19) VCF-style: chr12-103288600-G-T.
Other names: c.265C>A, p.Pro89Thr (NM_001354304.2); c.265C>A (NM_000277.1); short protein forms P89T.
Identifiers: ClinVar variation 2907433 (VCV002907433.4), dbSNP rs62507270, ClinGen allele CA242509800.